The following is an entry in ClinVar:

ClinVar aggregate classification (germline): Likely benign (1 of 4 stars; one submission).

Conditions:
KDM6A-related disorder. Also called: KDM6A-related condition.

gnomAD v4.1: 1 of 1,208,371 alleles (0.000083%); highest among the groups gnomAD compares: Admixed American, 0.0022%; no homozygotes.

Submission:

PreventionGenetics, part of Exact Sciences
Classification: Likely benign for KDM6A-related condition. Last evaluated: 2026-01-30. Review status: criteria provided, single submitter. Criteria: ACMG Guidelines, 2015. Collection method: clinical testing. Allele origin: germline.
Comment: This variant is classified as likely benign based on ACMG/AMP sequence variant interpretation guidelines (Richards et al. 2015 PMID: 25741868, with internal and published modifications).

NM_001291415.2(KDM6A):c.2283A>G (p.Gln761=)

Gene: KDM6A (lysine demethylase 6A; plus strand). Cytogenetic location: Xp11.3.
Variant type: single nucleotide variant.
Coding change: c.2283A>G on transcript NM_001291415.2 (MANE Select); coding-DNA position 2283, A replaced by G.
Protein change: p.Gln761=; no amino-acid change (glutamine 761 retained).
Molecular consequence: synonymous variant. On other transcripts: non-coding transcript variant (1).
Genome position (GRCh38, 1-based): chrX:45,069,782, A>G. VCF-style: chrX-45069782-A-G. GRCh37 (hg19) VCF-style: chrX-44929027-A-G.
Other names: c.2148A>G, p.Gln716= (NM_001291416.2, NM_001419811.1); c.1992A>G, p.Gln664= (NM_001291417.2); c.1890A>G, p.Gln630= (NM_001291418.2, NM_001419815.1); c.1239A>G, p.Gln413= (NM_001291421.2); c.2025A>G, p.Gln675= (NM_001410742.1, NM_001419814.1); c.2283A>G, p.Gln761= (NM_001419809.1); c.2181A>G, p.Gln727= (NM_001419810.1, NM_001419813.1); c.2127A>G, p.Gln709= (NM_001419812.1, NM_021140.4).
Identifiers: ClinVar variation 4986649 (VCV004986649.1).
Genomic context (GRCh38, chrX:45,069,782, plus strand): 5'-AGTAACACAGGGGGCTGCTCTCAATCACCTCTCCTCTCACACTGCTACCTCAGGTGGACA[A>G]CAAGGCATTACCTTAACCAAAGAGAGCAAGCCTTCAGGAAACATATTGACGGTGCCTGAA-3'
Protein context (NP_001278344.1, residues 751-771): LSSHTATSGG[Gln761=]QGITLTKESK